The following is an entry in ClinVar:

ClinVar aggregate classification (germline): Uncertain significance (1 of 4 stars; one submission).

Allele frequency attached by ClinVar (database versions not stated): gnomAD exomes below 0.00001; ExAC 0.00001; gnomAD 0.00003; TOPMed 0.00004.
gnomAD v4.1: 8 of 1,612,534 alleles (0.0005%); highest among the groups gnomAD compares: African/African-American, 0.011%; no homozygotes.

Submission:

Labcorp Genetics (formerly Invitae), Labcorp
Classification: Uncertain significance. Last evaluated: 2025-10-11. Review status: criteria provided, single submitter. Criteria: Invitae Variant Classification Sherloc (09022015). Collection method: clinical testing. Allele origin: germline.
Comment: This sequence change replaces proline, which is neutral and non-polar, with serine, which is neutral and polar, at codon 434 of the TRIM8 protein (p.Pro434Ser). This variant is present in population databases (rs777251455, gnomAD 0.02%). This variant has not been reported in the literature in individuals affected with TRIM8-related conditions. ClinVar contains an entry for this variant (Variation ID: 2043427). An algorithm developed to predict the effect of missense changes on protein structure and function (PolyPhen-2) suggests that this variant is likely to be tolerated. In summary, the available evidence is currently insufficient to determine the role of this variant in disease. Therefore, it has been classified as a Variant of Uncertain Significance.

NM_030912.3(TRIM8):c.1300C>T (p.Pro434Ser)

Gene: TRIM8 (tripartite motif containing 8; plus strand). Cytogenetic location: 10q24.32.
Variant type: single nucleotide variant.
Coding change: c.1300C>T on transcript NM_030912.3 (MANE Select); coding-DNA position 1300, C replaced by T.
Protein change: p.Pro434Ser; replaces proline 434 with serine.
Molecular consequence: missense variant. On other transcripts: non-coding transcript variant (1).
Genome position (GRCh38, 1-based): chr10:102,656,998, C>T. VCF-style: chr10-102656998-C-T. GRCh37 (hg19) VCF-style: chr10-104416755-C-T.
Other names: c.1204C>T, p.Pro402Ser (NM_001345950.1); short protein forms P434S, P402S.
Identifiers: ClinVar variation 2043427 (VCV002043427.4), dbSNP rs777251455, ClinGen allele CA5668298.
Genomic context (GRCh38, chr10:102,656,998, plus strand): 5'-CAGCCCCTGGGGCCCTGCAGCTCCACGCAGCACTTGGTGGCCCTGCCGGGCGGCGCCCAA[C>T]CAGTGCACTCAAGCCCCGTGTTCCCCCCATCGCAGTATCCCAATGGCTCCGCCGCCCAGC-3'
Protein context (NP_112174.2, residues 424-444): HLVALPGGAQ[Pro434Ser]VHSSPVFPPS